The following is an entry in ClinVar:

ClinVar aggregate classification (germline): Conflicting classifications of pathogenicity. Review status: criteria provided, conflicting classifications (1 of 4 stars). 6 submissions from 6 submitters: Uncertain significance (5); Likely benign (1). Last evaluated 2025-07-22.

Conditions:
Developmental and epileptic encephalopathy, 11 (DEE11). Also called: Early infantile epileptic encephalopathy 11. Identifiers: Orphanet 1934, MedGen C3150987, MONDO:0013388, OMIM 613721.
Seizures, benign familial infantile, 3 (BFIS3). Also called: CONVULSIONS, BENIGN FAMILIAL INFANTILE, 3; Familial neonatal seizures. Identifiers: Orphanet 140927, Orphanet 306, MedGen C1843140, MONDO:0011904, OMIM 607745.

Allele frequency attached by ClinVar (database versions not stated): gnomAD 0.00001; gnomAD exomes 0.00001 and 0.00002; ExAC 0.00002.
gnomAD v4.1: 16 of 1,613,832 alleles (0.00099%); highest among the groups gnomAD compares: Middle Eastern, 0.033%; no homozygotes.

Submissions (6):

Labcorp Genetics (formerly Invitae), Labcorp
Classification: Uncertain significance for Seizures, benign familial infantile, 3; Developmental and epileptic encephalopathy, 11. Last evaluated: 2025-07-22. Review status: criteria provided, single submitter. Criteria: Invitae Variant Classification Sherloc (09022015). Collection method: clinical testing. Allele origin: germline.
Comment: This sequence change replaces lysine, which is basic and polar, with asparagine, which is neutral and polar, at codon 682 of the SCN2A protein (p.Lys682Asn). This variant is present in population databases (rs756493732, gnomAD 0.02%). This variant has not been reported in the literature in individuals affected with SCN2A-related conditions. ClinVar contains an entry for this variant (Variation ID: 331728). Invitae Evidence Modeling of protein sequence and biophysical properties (such as structural, functional, and spatial information, amino acid conservation, physicochemical variation, residue mobility, and thermodynamic stability) has been performed for this missense variant. However, the output from this modeling did not meet the statistical confidence thresholds required to predict the impact of this variant on SCN2A protein function. In summary, the available evidence is currently insufficient to determine the role of this variant in disease. Therefore, it has been classified as a Variant of Uncertain Significance.

GeneDx
Classification: Uncertain significance. Last evaluated: 2022-02-27. Review status: criteria provided, single submitter. Criteria: GeneDx Variant Classification Process June 2021. Collection method: clinical testing. Allele origin: germline. Affected: yes.
Comment: Missense variants in this gene are often considered pathogenic (HGMD); In silico analysis supports that this missense variant has a deleterious effect on protein structure/function; This substitution is predicted to be in the cytoplasmic loop between the first and second homologous domains; Has not been previously published as pathogenic or benign to our knowledge

New York Genome Center
Classification: Uncertain significance for Developmental and epileptic encephalopathy, 11; Seizures, benign familial infantile, 3. Last evaluated: 2021-05-20. Review status: criteria provided, single submitter. Criteria: NYGC Assertion Criteria 2020. Collection method: clinical testing. Allele origin: inherited. Observed: 1 heterozygote. Study: CSER-NYCKidSeq.

Institute of Human Genetics, University of Leipzig Medical Center
Classification: Uncertain significance for Seizures, benign familial infantile, 3. Last evaluated: 2020-01-22. Review status: criteria provided, single submitter. Criteria: ACMG Guidelines, 2015. Collection method: clinical testing. Allele origin: germline. Affected: yes. Observed: 1 variant allele.

Illumina Laboratory Services, Illumina
Classification: Likely benign for Seizures, benign familial infantile, 3. Last evaluated: 2018-01-12. Review status: criteria provided, single submitter. Criteria: ICSL Variant Classification Criteria 13 December 2019. Collection method: clinical testing. Allele origin: germline.
Comment: This variant was observed in the ICSL laboratory as part of a predisposition screen in an ostensibly healthy population. It had not been previously curated by ICSL or reported in the Human Gene Mutation Database (HGMD: prior to June 1st, 2018), and was therefore a candidate for classification through an automated scoring system. Utilizing variant allele frequency, disease prevalence and penetrance estimates, and inheritance mode, an automated score was calculated to assess if this variant is too frequent to cause the disease. Based on the score and internal cut-off values, a variant classified as likely benign is not then subjected to further curation. The score for this variant resulted in a classification of likely benign for this disease.

Athena Diagnostics
Classification: Uncertain significance. Last evaluated: 2017-09-15. Review status: criteria provided, single submitter. Criteria: Athena Diagnostics Criteria. Collection method: clinical testing. Allele origin: germline.

NM_001040142.2(SCN2A):c.2046G>T (p.Lys682Asn)

Gene: SCN2A (sodium voltage-gated channel alpha subunit 2; plus strand). Cytogenetic location: 2q24.3.
Variant type: single nucleotide variant.
Coding change: c.2046G>T on transcript NM_001040142.2 (MANE Select); coding-DNA position 2046, G replaced by T.
Protein change: p.Lys682Asn; replaces lysine 682 with asparagine.
Molecular consequence: missense variant.
Genome position (GRCh38, 1-based): chr2:165,326,881, G>T. VCF-style: chr2-165326881-G-T. GRCh37 (hg19) VCF-style: chr2-166183391-G-T.
Other names: c.2046G>T, p.Lys682Asn (NM_001040143.2, NM_001371246.1, NM_001371247.1 and 1 more transcripts); short protein forms K682N.
Identifiers: ClinVar variation 331728 (VCV000331728.18), dbSNP rs756493732, ClinGen allele CA1939921.